The following is an entry in ClinVar:

NM_018979.4(WNK1):c.3663+8C>G

Gene: WNK1 (WNK lysine deficient protein kinase 1; plus strand). Cytogenetic location: 12p13.33.
Variant type: single nucleotide variant.
Coding change: c.3663+8C>G on transcript NM_018979.4 (MANE Select); 8 bases into the intron after coding-DNA position 3663, C replaced by G.
Molecular consequence: intron variant.
Genome position (GRCh38, 1-based): chr12:883,576, C>G. VCF-style: chr12-883576-C-G. GRCh37 (hg19) VCF-style: chr12-992742-C-G.
Other names: c.3663+8C>G (NM_018979.3); c.4419+8C>G (NM_213655.5); c.4443+8C>G (NM_001184985.2); c.2922+8C>G (NM_014823.3).
Identifiers: ClinVar variation 1125201 (VCV001125201.11), dbSNP rs1048572799, ClinGen allele CA231478432.

ClinVar aggregate classification (germline): Likely benign. Review status: criteria provided, multiple submitters, no conflicts (2 of 4 stars). 3 submissions from 3 submitters: Likely benign (3). Last evaluated 2025-11-12.

Conditions:
WNK1-related disorder. Also called: WNK1-related condition.
Neuropathy, hereditary sensory and autonomic, type 2A (HSAN2A). Also called: ACROOSTEOLYSIS, GIACCAI TYPE; ACROOSTEOLYSIS, NEUROGENIC; MORVAN DISEASE; NEUROPATHY, CONGENITAL SENSORY; NEUROPATHY, HEREDITARY SENSORY RADICULAR, AUTOSOMAL RECESSIVE; NEUROPATHY, HEREDITARY SENSORY, TYPE IIA. Identifiers: Orphanet 970, MedGen C2752089, MONDO:0024309, OMIM 201300.
Pseudohypoaldosteronism type 2C (PHA2C). Also called: Pseudohypoaldosteronism Type IIC. Identifiers: Orphanet 757, Orphanet 88940, MedGen C1840391, MONDO:0013778, OMIM 614492.

Allele frequency attached by ClinVar (database versions not stated): gnomAD exomes 0.00002; gnomAD 0.00004.
gnomAD v4.1: 17 of 1,613,954 alleles (0.0011%); highest among the groups gnomAD compares: Admixed American, 0.023%; no homozygotes.

Submissions (3):

PreventionGenetics, part of Exact Sciences
Classification: Likely benign for WNK1-related condition. Last evaluated: 2025-11-12. Review status: criteria provided, single submitter. Criteria: ACMG Guidelines, 2015. Collection method: clinical testing. Allele origin: germline.
Comment: This variant is classified as likely benign based on ACMG/AMP sequence variant interpretation guidelines (Richards et al. 2015 PMID: 25741868, with internal and published modifications).

Labcorp Genetics (formerly Invitae), Labcorp
Classification: Likely benign for Neuropathy, hereditary sensory and autonomic, type 2A; Pseudohypoaldosteronism type 2C. Last evaluated: 2025-05-19. Review status: criteria provided, single submitter. Criteria: Invitae Variant Classification Sherloc (09022015). Collection method: clinical testing. Allele origin: germline.

Fulgent Genetics
Classification: Likely benign for Neuropathy, hereditary sensory and autonomic, type 2A; Pseudohypoaldosteronism type 2C. Last evaluated: 2021-12-30. Review status: criteria provided, single submitter. Criteria: ACMG Guidelines, 2015. Collection method: clinical testing. Allele origin: unknown.